The following is an entry in ClinVar:

NM_001429.4(EP300):c.4111C>G (p.Leu1371Val)

Gene: EP300 (EP300 lysine acetyltransferase; plus strand). Cytogenetic location: 22q13.2.
Variant type: single nucleotide variant.
Coding change: c.4111C>G on transcript NM_001429.4 (MANE Select); coding-DNA position 4111, C replaced by G.
Protein change: p.Leu1371Val; replaces leucine 1371 with valine.
Molecular consequence: missense variant.
Genome position (GRCh38, 1-based): chr22:41,168,806, C>G. VCF-style: chr22-41168806-C-G. GRCh37 (hg19) VCF-style: chr22-41564810-C-G.
Other names: c.4033C>G, p.Leu1345Val (NM_001362843.2); short protein forms L1345V, L1371V.
Identifiers: ClinVar variation 2248746 (VCV002248746.3), dbSNP rs1481710031, ClinGen allele CA411700153.

ClinVar aggregate classification (germline): Uncertain significance. Review status: criteria provided, multiple submitters, no conflicts (2 of 4 stars). 2 submissions from 2 submitters: Uncertain significance (2). Last evaluated 2025-01-09.

Conditions:
EP300-related disorder. Also called: EP300-related disorders; EP300-related condition.
Inborn genetic diseases. Identifiers: MedGen C0950123, MeSH D030342.

Allele frequency attached by ClinVar (database versions not stated): gnomAD exomes below 0.00001; TOPMed 0.00001; gnomAD 0.00003.

Submissions (2):

PreventionGenetics, part of Exact Sciences
Classification: Uncertain significance for EP300-related condition. Last evaluated: 2025-01-09. Review status: criteria provided, single submitter. Criteria: ACMG Guidelines, 2015. Collection method: clinical testing. Allele origin: germline.
Comment: The EP300 c.4111C>G variant is predicted to result in the amino acid substitution p.Leu1371Val. To our knowledge, this variant has not been reported in the literature. This variant is reported in 0.011% of alleles in individuals of African descent in gnomAD. Although we suspect that this variant may be benign, at this time, the clinical significance of this variant is uncertain due to the absence of conclusive functional and genetic evidence.

Ambry Genetics
Classification: Uncertain significance for Inborn genetic diseases. Last evaluated: 2021-09-14. Review status: criteria provided, single submitter. Criteria: Ambry Variant Classification Scheme 2023. Collection method: clinical testing. Allele origin: germline.